The following is an entry in ClinVar:

ClinVar aggregate classification (germline): Uncertain significance (1 of 4 stars; one submission).

Submission:

GeneDx
Classification: Uncertain significance. Last evaluated: 2026-03-19. Review status: criteria provided, single submitter. Criteria: GeneDx Variant Classification Process June 2021. Collection method: clinical testing. Allele origin: germline.
Comment: Not observed at significant frequency in large population cohorts (gnomAD); Frameshift variant predicted to result in abnormal protein length as the last 3 amino acid(s) are replaced with 35 different amino acid(s); Has not been previously published as pathogenic or benign to our knowledge

NM_001370298.3(FGD4):c.2700dup (p.Ser901fs)

Gene: FGD4 (FYVE, RhoGEF and PH domain containing 4; plus strand). Cytogenetic location: 12p11.21.
Variant type: Duplication.
Coding change: c.2700dup on transcript NM_001370298.3 (MANE Select); coding-DNA position 2700, one base duplicated (A; older notation c.2700dupA).
Protein change: p.Ser901fs; shifts the reading frame from serine 901.
Molecular consequence: frameshift variant. On other transcripts: intron variant (3).
Genome position (GRCh38, 1-based): chr12:32,640,521, A duplicated; the last of 6 consecutive A bases (chr12:32,640,516-32,640,521); duplicating any one gives the same sequence. VCF-style (leftmost placement, unchanged base first): chr12-32640515-G-GA. GRCh37 (hg19) VCF-style: chr12-32793449-G-GA.
Other names: c.2544dup, p.Ser849fs (NM_001304481.2); c.1257dup, p.Ser420fs (NM_001304484.2); c.2010dup, p.Ser671fs (NM_001330373.2, NM_001330374.2, NM_001384130.1); c.1737dup, p.Ser580fs (NM_001370297.1); c.2289dup, p.Ser764fs (NM_001385118.1, NM_139241.3); c.2632+68dup (NM_001384126.1); c.2221+68dup (NM_001384127.1, NM_001384128.1); short protein forms S764fs, S849fs, S901fs, S420fs, S580fs, S671fs.
Identifiers: ClinVar variation 5009012 (VCV005009012.1).